The following is an entry in ClinVar:

ClinVar aggregate classification (germline): Uncertain significance. Review status: criteria provided, multiple submitters, no conflicts (2 of 4 stars). 2 submissions from 2 submitters: Uncertain significance (2). Last evaluated 2025-02-05.

Allele frequency attached by ClinVar (database versions not stated): ExAC 0.00002; gnomAD exomes 0.00002.
gnomAD v4.1: 11 of 1,613,908 alleles (0.00068%); highest among the groups gnomAD compares: Non-Finnish European, 0.00093%; no homozygotes.

Submissions (2):

Women's Health and Genetics/Laboratory Corporation of America, LabCorp
Classification: Uncertain significance. Last evaluated: 2025-02-05. Review status: criteria provided, single submitter. Criteria: LabCorp Variant Classification Summary - May 2015. Collection method: clinical testing. Allele origin: germline.
Comment: Variant summary: ARHGEF10 c.1952C>T (p.Ala651Val) results in a non-conservative amino acid change in the encoded protein sequence. Four of five in-silico tools predict a damaging effect of the variant on protein function. The variant allele was found at a frequency of 8e-06 in 251120 control chromosomes (gnomAD). The available data on variant occurrences in the general population are insufficient to allow any conclusion about variant significance. To our knowledge, no occurrence of c.1952C>T in individuals affected with Autosomal dominant slowed nerve conduction velocity and no experimental evidence demonstrating its impact on protein function have been reported. ClinVar contains an entry for this variant (Variation ID: 2520941). Based on the evidence outlined above, the variant was classified as uncertain significance.

Ambry Genetics
Classification: Uncertain significance. Last evaluated: 2023-05-17. Review status: criteria provided, single submitter. Criteria: Ambry Variant Classification Scheme 2023. Collection method: clinical testing. Allele origin: germline.

NM_014629.4(ARHGEF10):c.1952C>T (p.Ala651Val)

Gene: ARHGEF10 (Rho guanine nucleotide exchange factor 10; plus strand). Cytogenetic location: 8p23.3.
Variant type: single nucleotide variant.
Coding change: c.1952C>T on transcript NM_014629.4 (MANE Select); coding-DNA position 1952, C replaced by T.
Protein change: p.Ala651Val; replaces alanine 651 with valine.
Molecular consequence: missense variant.
Genome position (GRCh38, 1-based): chr8:1,905,701, C>T. VCF-style: chr8-1905701-C-T. GRCh37 (hg19) VCF-style: chr8-1853867-C-T.
Other names: c.1838C>T, p.Ala613Val (NM_001308152.2); c.1952C>T, p.Ala651Val (NM_001308153.3); short protein forms A675V, A651V, A613V.
Identifiers: ClinVar variation 2520941 (VCV002520941.3), dbSNP rs776942473, ClinGen allele CA4600637.